The following is an entry in ClinVar:

ClinVar aggregate classification (germline): Uncertain significance. Review status: criteria provided, multiple submitters, no conflicts (2 of 4 stars). 2 submissions from 2 submitters: Uncertain significance (2). Last evaluated 2025-10-11.

Conditions:
Hereditary cancer-predisposing syndrome. Also called: Hereditary neoplastic syndrome; Neoplastic Syndromes, Hereditary; Tumor predisposition; Hereditary Cancer Syndrome. Identifiers: Orphanet 140162, MedGen C0027672, MeSH D009386, MONDO:0015356.

Allele frequency attached by ClinVar (database versions not stated): gnomAD exomes below 0.00001; TOPMed 0.00001.
gnomAD v4.1: 1 of 1,502,882 alleles (0.000067%); no homozygotes.

Submissions (2):

Ambry Genetics
Classification: Uncertain significance for Hereditary cancer-predisposing syndrome. Last evaluated: 2025-10-11. Review status: criteria provided, single submitter. Criteria: Ambry Variant Classification Scheme 2023. Collection method: clinical testing. Allele origin: germline.
Comment: The p.A11P variant (also known as c.31G>C), located in coding exon 1 of the POLE gene, results from a G to C substitution at nucleotide position 31. The alanine at codon 11 is replaced by proline, an amino acid with highly similar properties. This amino acid position is conserved. In addition, this alteration is predicted to be tolerated by in silico analysis. Since supporting evidence is limited at this time, the clinical significance of this alteration remains unclear.

Labcorp Genetics (formerly Invitae), Labcorp
Classification: Uncertain significance. Last evaluated: 2023-12-07. Review status: criteria provided, single submitter. Criteria: Invitae Variant Classification Sherloc (09022015). Collection method: clinical testing. Allele origin: germline.
Comment: This sequence change replaces alanine, which is neutral and non-polar, with proline, which is neutral and non-polar, at codon 11 of the POLE protein (p.Ala11Pro). This variant is not present in population databases (gnomAD no frequency). This variant has not been reported in the literature in individuals affected with POLE-related conditions. ClinVar contains an entry for this variant (Variation ID: 1006104). Algorithms developed to predict the effect of missense changes on protein structure and function output the following: SIFT: "Not Available"; PolyPhen-2: "Not Available"; Align-GVGD: "Not Available". The proline amino acid residue is found in multiple mammalian species, which suggests that this missense change does not adversely affect protein function. In summary, the available evidence is currently insufficient to determine the role of this variant in disease. Therefore, it has been classified as a Variant of Uncertain Significance.

NM_006231.4(POLE):c.31G>C (p.Ala11Pro)

Genes: POLE (DNA polymerase epsilon, catalytic subunit; minus strand), LOC130009266 (ATAC-STARR-seq lymphoblastoid silent region 5123; plus strand). Cytogenetic location: 12q24.33.
Variant type: single nucleotide variant.
Coding change: c.31G>C on transcript NM_006231.4 (MANE Select); coding-DNA position 31, G replaced by C.
Protein change: p.Ala11Pro; replaces alanine 11 with proline.
Molecular consequence: missense variant.
Genome position (GRCh38, 1-based): chr12:132,687,285, C>G on the plus strand (G>C on the coding strand, the complement: POLE is on the minus strand). VCF-style: chr12-132687285-C-G. GRCh37 (hg19) VCF-style: chr12-133263871-C-G.
Other names: c.31G>C (NM_006231.2); short protein forms A11P.
Identifiers: ClinVar variation 1006104 (VCV001006104.13), dbSNP rs1593099072, ClinGen allele CA387373437.
Genomic context (GRCh38, chr12:132,687,285, plus strand): 5'-CCCGAGAGCCTCAGGAGGGCGCCCCTCACCTGCTGGCCTCGCCATCCGCGCCTGGGTCCG[C>G]GCGCCGCCGCCCGCCGCTCCTCAGAGACATGGAGCCGTTGGCTACCACCTCTGCTTCAGG-3'
Protein context (NP_006222.2, residues 1-21): MSLRSGGRRR[Ala11Pro]DPGADGEASR